The following is an entry in ClinVar:

NM_002971.6(SATB1):c.804_806delinsGGGA (p.Asn268fs)

Gene: SATB1 (SATB homeobox 1; minus strand). Cytogenetic location: 3p24.3.
Variant type: Indel.
Coding change: c.804_806delinsGGGA on transcript NM_002971.6 (MANE Select); coding-DNA positions 804 to 806, TTT replaced by GGGA.
Protein change: p.Asn268fs; shifts the reading frame from asparagine 268.
Molecular consequence: frameshift variant.
Genome position (GRCh38, 1-based): chr3:18,394,862-18,394,864, AAA replaced by TCCC on the plus strand (TTT replaced by GGGA on the coding strand, the reverse complement: SATB1 is on the minus strand). VCF-style: chr3-18394862-AAA-TCCC. GRCh37 (hg19) VCF-style: chr3-18436354-AAA-TCCC.
Other names: c.804_806delinsGGGA, p.Asn268fs (NM_001131010.4, NM_001195470.3, NM_001322871.2 and 4 more transcripts); c.588_590delinsGGGA, p.Asn196fs (NM_001322876.2); short protein forms N268fs, N196fs.
Identifiers: ClinVar variation 2270636 (VCV002270636.2), dbSNP rs2470658884, ClinGen allele CA2580069193.
Genomic context (GRCh38, chr3:18,394,862, plus strand): 5'-GAGAGCTGCGCAGGGGATGGAGGCTGCTCGGCTGTGTTCCCTGGAACTGGTTGCTGGCCA[AAA>TCCC]TTGACATGATTGGCGCCTTGCTGGGATAGCTCAGAAAGACTATCCATTTCAACTAAAGTG-3'

ClinVar aggregate classification (germline): Pathogenic (1 of 4 stars; one submission).

Conditions:
Inborn genetic diseases. Identifiers: MedGen C0950123, MeSH D030342.

Submission:

Ambry Genetics
Classification: Pathogenic for Inborn genetic diseases. Last evaluated: 2022-01-13. Review status: criteria provided, single submitter. Criteria: Ambry Variant Classification Scheme 2023. Collection method: clinical testing. Allele origin: germline.
Comment: The c.804_806delTTTinsGGGA (p.N268Kfs*68) alteration, located in exon 7 (coding exon 6) of the SATB1 gene, consists of a deletion of 3 and insertion of 4 nucleotides causing a translational frameshift at position 804 with a predicted alternate stop codon after 68 amino acids. This alteration is expected to result in loss of function by premature protein truncation or nonsense-mediated mRNA decay. This variant was not reported in population-based cohorts in the Genome Aggregation Database (gnomAD). Based on the available evidence, this alteration is classified as pathogenic.